The following is an entry in ClinVar:

NM_000057.4(BLM):c.910T>G (p.Ser304Ala)

Gene: BLM (BLM RecQ like helicase; plus strand). Cytogenetic location: 15q26.1.
Variant type: single nucleotide variant.
Coding change: c.910T>G on transcript NM_000057.4 (MANE Select); coding-DNA position 910, T replaced by G.
Protein change: p.Ser304Ala; replaces serine 304 with alanine.
Molecular consequence: missense variant. On other transcripts: 5 prime UTR variant (1).
Genome position (GRCh38, 1-based): chr15:90,751,897, T>G. VCF-style: chr15-90751897-T-G. GRCh37 (hg19) VCF-style: chr15-91295127-T-G.
Other names: c.910T>G, p.Ser304Ala (NM_001287246.2, NM_001287247.2); c.-382T>G (NM_001287248.2); short protein forms S304A.
Identifiers: ClinVar variation 1361027 (VCV001361027.10), dbSNP rs2151149729, ClinGen allele CA393841863.

ClinVar aggregate classification (germline): Uncertain significance. Review status: criteria provided, multiple submitters, no conflicts (2 of 4 stars). 2 submissions from 2 submitters: Uncertain significance (2). Last evaluated 2021-06-14.

Conditions:
Hereditary cancer-predisposing syndrome. Also called: Tumor predisposition; Hereditary neoplastic syndrome; Neoplastic Syndromes, Hereditary; Hereditary Cancer Syndrome. Identifiers: Orphanet 140162, MedGen C0027672, MeSH D009386, MONDO:0015356.
Bloom syndrome (BLM). Also called: Bloom-Torre-Machacek syndrome. Identifiers: Orphanet 125, MedGen C0005859, MONDO:0008876, OMIM 210900.

Submissions (2):

Labcorp Genetics (formerly Invitae), Labcorp
Classification: Uncertain significance for Bloom syndrome. Last evaluated: 2021-06-14. Review status: criteria provided, single submitter. Criteria: Invitae Variant Classification Sherloc (09022015). Collection method: clinical testing. Allele origin: germline.
Comment: This variant has not been reported in the literature in individuals with BLM-related conditions. In summary, the available evidence is currently insufficient to determine the role of this variant in disease. Therefore, it has been classified as a Variant of Uncertain Significance. Experimental studies have shown that this variant affects BLM protein function (PMID: 25794620). This variant is not present in population databases (ExAC no frequency). This sequence change replaces serine with alanine at codon 304 of the BLM protein (p.Ser304Ala). The serine residue is moderately conserved and there is a moderate physicochemical difference between serine and alanine.

Ambry Genetics
Classification: Uncertain significance for Hereditary cancer-predisposing syndrome. Last evaluated: 2021-05-14. Review status: criteria provided, single submitter. Criteria: Ambry Variant Classification Scheme 2023. Collection method: clinical testing. Allele origin: germline.
Comment: The p.S304A variant (also known as c.910T>G), located in coding exon 3 of the BLM gene, results from a T to G substitution at nucleotide position 910. The serine at codon 304 is replaced by alanine, an amino acid with similar properties. This amino acid position is highly conserved in available vertebrate species. In addition, the in silico prediction for this alteration is inconclusive. Since supporting evidence is limited at this time, the clinical significance of this alteration remains unclear.

Literature cited by the submitters: PubMed 25794620 (cited by Labcorp Genetics (formerly Invitae), Labcorp).